The following is an entry in ClinVar:

ClinVar aggregate classification (germline): Uncertain significance. Review status: criteria provided, multiple submitters, no conflicts (2 of 4 stars). 5 submissions from 5 submitters: Uncertain significance (5). Last evaluated 2025-09-22.

Conditions:
Osteoporosis. Identifiers: MedGen C0029456, MONDO:0005298, OMIM 166710, HP:0000939.
Osteoporosis with pseudoglioma (OPPG). Also called: osteoporosis-pseudoglioma syndrome. Identifiers: Orphanet 2788, MedGen C0432252, MONDO:0009820, OMIM 259770.
Polycystic liver disease 4 with or without kidney cysts. Identifiers: MedGen C4693479, MONDO:0044327, OMIM 617875.
Autosomal dominant osteopetrosis 1 (OPTA1). Also called: OSTEOPETROSIS, AUTOSOMAL DOMINANT, TYPE I. Identifiers: Orphanet 2783, MedGen C1843330, MONDO:0011877, OMIM 607634.
Worth disease. Also called: Autosomal dominant osteosclerosis, Worth type; ENDOSTEAL HYPEROSTOSIS, AUTOSOMAL DOMINANT; OSTEOSCLEROSIS, AUTOSOMAL DOMINANT. Identifiers: Orphanet 2790, MedGen C0432273, MONDO:0007764, OMIM 144750.
Exudative vitreoretinopathy 1 (EVR1). Also called: FEVR, AUTOSOMAL DOMINANT; Familial exudative vitreoretinopathy, autosomal dominant; CRISWICK-SCHEPENS SYNDROME. Identifiers: Orphanet 891, Orphanet 90050, MedGen C1851402, MONDO:0007589, OMIM 133780.
Exudative vitreoretinopathy 4 (EVR4). Identifiers: Orphanet 891, MedGen C1866176, MONDO:0011151, OMIM 601813.
Bone mineral density quantitative trait locus 1 (BMND1). Identifiers: MedGen C1866079, OMIM 601884.
LRP5-related disorder. Also called: LRP5-related condition.

Allele frequency attached by ClinVar (database versions not stated): gnomAD exomes 0.00001 and 0.00002; ExAC 0.00002; gnomAD 0.00005; TOPMed 0.00006; ESP Exome Variant Server 0.00008.

Submissions (5):

Labcorp Genetics (formerly Invitae), Labcorp
Classification: Uncertain significance. Last evaluated: 2025-09-22. Review status: criteria provided, single submitter. Criteria: Invitae Variant Classification Sherloc (09022015). Collection method: clinical testing. Allele origin: germline.
Comment: This sequence change falls in intron 12 of the LRP5 gene. It does not directly change the encoded amino acid sequence of the LRP5 protein. It affects a nucleotide within the consensus splice site. This variant is present in population databases (rs373365240, gnomAD 0.004%). This variant has not been reported in the literature in individuals affected with LRP5-related conditions. ClinVar contains an entry for this variant (Variation ID: 593311). Variants that disrupt the consensus splice site are a relatively common cause of aberrant splicing (PMID: 17576681, 9536098). Algorithms developed to predict the effect of sequence changes on RNA splicing suggest that this variant may disrupt the consensus splice site. In summary, the available evidence is currently insufficient to determine the role of this variant in disease. Therefore, it has been classified as a Variant of Uncertain Significance.

PreventionGenetics, part of Exact Sciences
Classification: Uncertain significance for LRP5-related condition. Last evaluated: 2025-09-11. Review status: criteria provided, single submitter. Criteria: ACMG Guidelines, 2015. Collection method: clinical testing. Allele origin: germline.
Comment: The LRP5 c.2827+5G>A variant is predicted to interfere with splicing. This variant is predicted to significantly weaken the nearby splice donor site signal (Alamut Visual Plus version v1.6.1; SpliceAI, Jaganathan et al. 2019. PubMed ID: 30661751). However, the use of computer prediction programs is not equivalent to functional evidence. To our knowledge, this variant has not been reported in the literature. This variant is reported in 0.0029% of alleles in individuals of Latino descent in gnomAD. At this time, the clinical significance of this variant is uncertain due to the absence of conclusive functional and genetic evidence.

Fulgent Genetics
Classification: Uncertain significance for Exudative vitreoretinopathy 1; Worth disease; Osteoporosis; Osteoporosis with pseudoglioma; Exudative vitreoretinopathy 4; Bone mineral density quantitative trait locus 1; Autosomal dominant osteopetrosis 1; Polycystic liver disease 4 with or without kidney cysts. Last evaluated: 2022-03-26. Review status: criteria provided, single submitter. Criteria: ACMG Guidelines, 2015. Collection method: clinical testing. Allele origin: unknown.

Blueprint Genetics
Classification: Uncertain significance. Last evaluated: 2021-12-13. Review status: criteria provided, single submitter. Criteria: ACMG Guidelines, 2015. Collection method: clinical testing. Allele origin: germline.

Eurofins Ntd Llc (ga)
Classification: Uncertain significance. Last evaluated: 2017-08-08. Review status: criteria provided, single submitter. Criteria: EGL Classification Definitions 2015. Collection method: clinical testing. Allele origin: germline. Observed: 1 variant allele, 1 heterozygote.

Literature cited by the submitters: PubMed 17576681 (cited by Labcorp Genetics (formerly Invitae), Labcorp); PubMed 9536098 (cited by Labcorp Genetics (formerly Invitae), Labcorp).

NM_002335.4(LRP5):c.2827+5G>A

Gene: LRP5 (LDL receptor related protein 5; plus strand). Cytogenetic location: 11q13.2.
Variant type: single nucleotide variant.
Coding change: c.2827+5G>A on transcript NM_002335.4 (MANE Select); 5 bases into the intron after coding-DNA position 2827, G replaced by A.
Molecular consequence: intron variant.
Genome position (GRCh38, 1-based): chr11:68,414,017, G>A. VCF-style: chr11-68414017-G-A. GRCh37 (hg19) VCF-style: chr11-68181485-G-A.
Other names: c.1084+5G>A (NM_001291902.2).
Identifiers: ClinVar variation 593311 (VCV000593311.18), dbSNP rs373365240, ClinGen allele CA6149752.